The following is an entry in ClinVar:

NM_002230.4(JUP):c.946G>A (p.Val316Met)

Gene: JUP (junction plakoglobin; minus strand). Cytogenetic location: 17q21.2.
Variant type: single nucleotide variant.
Coding change: c.946G>A on transcript NM_002230.4 (MANE Select); coding-DNA position 946, G replaced by A.
Protein change: p.Val316Met; replaces valine 316 with methionine.
Molecular consequence: missense variant.
Genome position (GRCh38, 1-based): chr17:41,765,031, C>T on the plus strand (G>A on the coding strand, the complement: JUP is on the minus strand). VCF-style: chr17-41765031-C-T. GRCh37 (hg19) VCF-style: chr17-39921283-C-T.
Other names: c.946G>A, p.Val316Met (NM_001352773.2, NM_001352774.2, NM_001352775.2 and 3 more transcripts); short protein forms V316M.
Identifiers: ClinVar variation 536626 (VCV000536626.7), dbSNP rs782285849, ClinGen allele CA8565334.

ClinVar aggregate classification (germline): Uncertain significance. Review status: criteria provided, multiple submitters, no conflicts (2 of 4 stars). 2 submissions from 2 submitters: Uncertain significance (2). Last evaluated 2025-12-17.

Conditions:
Arrhythmogenic right ventricular dysplasia 12. Also called: ARRHYTHMOGENIC RIGHT VENTRICULAR DYSPLASIA, FAMILIAL, 12. Identifiers: MedGen C1969081, MONDO:0012684, OMIM 611528.
Naxos disease (NXD). Also called: KERATOSIS PALMOPLANTARIS WITH ARRHYTHMOGENIC CARDIOMYOPATHY; MAL DE NAXOS; PALMOPLANTAR KERATODERMA WITH ARRHYTHMOGENIC RIGHT VENTRICULAR CARDIOMYOPATHY AND WOOLLY HAIR; WOOLLY HAIR, PALMOPLANTAR KERATODERMA, AND CARDIAC ABNORMALITIES; CARDIOMYOPATHY, ARRHYTHMOGENIC RIGHT VENTRICULAR, WITH SKIN, HAIR, AND NAIL ABNORMALITIES. Identifiers: Orphanet 34217, MedGen C1832600, MONDO:0011017, OMIM 601214.
Cardiovascular phenotype. Identifiers: MedGen CN230736.

Allele frequency attached by ClinVar (database versions not stated): ExAC 0.00001; gnomAD exomes 0.00001 and 0.00002.
gnomAD v4.1: 23 of 1,614,024 alleles (0.0014%); highest among the groups gnomAD compares: East Asian, 0.0022%; no homozygotes.

Submissions (2):

Labcorp Genetics (formerly Invitae), Labcorp
Classification: Uncertain significance for Arrhythmogenic right ventricular dysplasia 12; Naxos disease. Last evaluated: 2025-12-17. Review status: criteria provided, single submitter. Criteria: Invitae Variant Classification Sherloc (09022015). Collection method: clinical testing. Allele origin: germline.
Comment: This sequence change replaces valine, which is neutral and non-polar, with methionine, which is neutral and non-polar, at codon 316 of the JUP protein (p.Val316Met). This variant is present in population databases (rs782285849, gnomAD 0.006%). This variant has not been reported in the literature in individuals affected with JUP-related conditions. ClinVar contains an entry for this variant (Variation ID: 536626). An algorithm developed to predict the effect of missense changes on protein structure and function (PolyPhen-2) suggests that this variant is likely to be disruptive. In summary, the available evidence is currently insufficient to determine the role of this variant in disease. Therefore, it has been classified as a Variant of Uncertain Significance.

Ambry Genetics
Classification: Uncertain significance for Cardiovascular phenotype. Last evaluated: 2024-11-10. Review status: criteria provided, single submitter. Criteria: Ambry Variant Classification Scheme 2023. Collection method: clinical testing. Allele origin: germline.
Comment: The p.V316M variant (also known as c.946G>A), located in coding exon 5 of the JUP gene, results from a G to A substitution at nucleotide position 946. The valine at codon 316 is replaced by methionine, an amino acid with highly similar properties. This amino acid position is highly conserved in available vertebrate species. In addition, the in silico prediction for this alteration is inconclusive. Since supporting evidence is limited at this time, the clinical significance of this alteration remains unclear.